The following is an entry in ClinVar:

ClinVar aggregate classification (germline): Uncertain significance (1 of 4 stars; one submission).

Conditions:
LEPR-related disorder. Also called: LEPR-related disorders; LEPR-related condition.

Submission:

PreventionGenetics, part of Exact Sciences
Classification: Uncertain significance for LEPR-related condition. Last evaluated: 2025-09-19. Review status: criteria provided, single submitter. Criteria: ACMG Guidelines, 2015. Collection method: clinical testing. Allele origin: germline.
Comment: The LEPR c.3236_3238delATT variant is predicted to result in an in-frame deletion (p.Tyr1079del). This variant was reported in an individual with extreme obesity; however, an in vitro study did not show a noticeable effect of this variant (reported as 1078Ydeletion, Mariman et al. 2015. PubMed ID: 25805767). This variant is reported in 0.0057% of alleles in individuals of Latino descent in gnomAD. At this time, the clinical significance of this variant is uncertain due to the absence of conclusive functional and genetic evidence.

NM_002303.6(LEPR):c.3233ATT[1] (p.Tyr1079del)

Gene: LEPR (leptin receptor; plus strand). Cytogenetic location: 1p31.3.
Variant type: Microsatellite.
Coding change: c.3233ATT[1] on transcript NM_002303.6 (MANE Select); one copy of the 3-base unit ATT starting at c.3233; the reference has two copies in a row; one copy, 3 bases deleted.
Protein change: p.Tyr1079del; deletes tyrosine 1079.
Molecular consequence: inframe deletion. On other transcripts: inframe indel (2).
Genome position (GRCh38, 1-based): chr1:65,636,753-65,636,755, ATT deleted; deleting any 3 consecutive bases within chr1:65,636,749-65,636,755 gives the same sequence; the position shown is the placement nearest the transcript's 3' end. VCF-style (leftmost placement, unchanged base first): chr1-65636748-CTAT-C. GRCh37 (hg19) VCF-style: chr1-66102431-CTAT-C.
Other names: c.3236_3238delATT (NM_002303.5); c.3233_3235ATT[1], p.Tyr1079del (NM_002303.5); short protein forms Y1079del.
Identifiers: ClinVar variation 4985334 (VCV004985334.1).